The following is an entry in ClinVar:

NM_001001331.4(ATP2B2):c.1588A>G (p.Ile530Val)

Gene: ATP2B2 (ATPase plasma membrane Ca2+ transporting 2; minus strand). Cytogenetic location: 3p25.3.
Variant type: single nucleotide variant.
Coding change: c.1588A>G on transcript NM_001001331.4 (MANE Select); coding-DNA position 1588, A replaced by G.
Protein change: p.Ile530Val; replaces isoleucine 530 with valine.
Molecular consequence: missense variant.
Genome position (GRCh38, 1-based): chr3:10,371,880, T>C on the plus strand (A>G on the coding strand, the complement: ATP2B2 is on the minus strand). VCF-style: chr3-10371880-T-C. GRCh37 (hg19) VCF-style: chr3-10413564-T-C.
Other names: c.1453A>G, p.Ile485Val (NM_001330611.3, NM_001353564.1, NM_001363862.1 and 1 more transcripts); c.1453A>G (NM_001683.3); short protein forms I485V, I530V.
Identifiers: ClinVar variation 3619105 (VCV003619105.3).

ClinVar aggregate classification (germline): Uncertain significance. Review status: criteria provided, multiple submitters, no conflicts (2 of 4 stars). 2 submissions from 2 submitters: Uncertain significance (2). Last evaluated 2026-06-04.

Conditions:
ATP2B2-related disorder. Also called: ATP2B2-related condition.

gnomAD v4.1: 3 of 1,614,198 alleles (0.00019%); highest among the groups gnomAD compares: Admixed American, 0.0033%; no homozygotes.

Submissions (2):

PreventionGenetics, part of Exact Sciences
Classification: Uncertain significance for ATP2B2-related condition. Last evaluated: 2026-06-04. Review status: criteria provided, single submitter. Criteria: ACMG Guidelines, 2015. Collection method: clinical testing. Allele origin: germline.
Comment: The ATP2B2 c.1453A>G variant is predicted to result in the amino acid substitution p.Ile485Val. To our knowledge, this variant has not been reported in the literature. This variant is reported in 0.0058% of alleles in individuals of Latino descent in gnomAD. At this time, the clinical significance of this variant is uncertain due to the absence of conclusive functional and genetic evidence.

Labcorp Genetics (formerly Invitae), Labcorp
Classification: Uncertain significance. Last evaluated: 2024-07-17. Review status: criteria provided, single submitter. Criteria: Invitae Variant Classification Sherloc (09022015). Collection method: clinical testing. Allele origin: germline.
Comment: This sequence change replaces isoleucine, which is neutral and non-polar, with valine, which is neutral and non-polar, at codon 485 of the ATP2B2 protein (p.Ile485Val). This variant is present in population databases (rs780332176, gnomAD 0.006%). This variant has not been reported in the literature in individuals affected with ATP2B2-related conditions. Advanced modeling of protein sequence and biophysical properties (such as structural, functional, and spatial information, amino acid conservation, physicochemical variation, residue mobility, and thermodynamic stability) performed at Invitae indicates that this missense variant is not expected to disrupt ATP2B2 protein function with a negative predictive value of 80%. In summary, the available evidence is currently insufficient to determine the role of this variant in disease. Therefore, it has been classified as a Variant of Uncertain Significance.